The following is an entry in ClinVar:

ClinVar aggregate classification (germline): Uncertain significance (1 of 4 stars; one submission).

gnomAD v4.1: 13 of 1,455,376 alleles (0.00089%); highest among the groups gnomAD compares: Admixed American, 0.012%; no homozygotes.

Submission:

Labcorp Genetics (formerly Invitae), Labcorp
Classification: Uncertain significance. Last evaluated: 2025-08-10. Review status: criteria provided, single submitter. Criteria: Invitae Variant Classification Sherloc (09022015). Collection method: clinical testing. Allele origin: germline.
Comment: This sequence change replaces histidine, which is basic and polar, with tyrosine, which is neutral and polar, at codon 360 of the IFT88 protein (p.His360Tyr). This variant is present in population databases (rs759645619, gnomAD 0.02%). This variant has not been reported in the literature in individuals affected with IFT88-related conditions. ClinVar contains an entry for this variant (Variation ID: 3619817). An algorithm developed to predict the effect of missense changes on protein structure and function (PolyPhen-2) suggests that this variant is likely to be disruptive. In summary, the available evidence is currently insufficient to determine the role of this variant in disease. Therefore, it has been classified as a Variant of Uncertain Significance.

NM_006531.5(IFT88):c.1051C>T (p.His351Tyr)

Gene: IFT88 (intraflagellar transport 88; plus strand). Cytogenetic location: 13q12.11.
Variant type: single nucleotide variant.
Coding change: c.1051C>T on transcript NM_006531.5 (MANE Select); coding-DNA position 1051, C replaced by T.
Protein change: p.His351Tyr; replaces histidine 351 with tyrosine.
Molecular consequence: missense variant. On other transcripts: non-coding transcript variant (5).
Genome position (GRCh38, 1-based): chr13:20,605,044, C>T. VCF-style: chr13-20605044-C-T. GRCh37 (hg19) VCF-style: chr13-21179183-C-T.
Other names: c.994C>T, p.His332Tyr (NM_001353575.2, NM_001318491.2, NM_001353573.2); c.976C>T, p.His326Tyr (NM_001353576.2, NM_001353577.2, NM_001353569.2 and 1 more transcripts); c.949C>T, p.His317Tyr (NM_001353578.2, NM_001353571.2); c.418C>T, p.His140Tyr (NM_001353579.2); c.1078C>T, p.His360Tyr (NM_175605.5, NM_001318493.2, NM_001353565.2 and 2 more transcripts); c.1051C>T, p.His351Tyr (NM_001353568.2, NM_001353572.2); c.892C>T, p.His298Tyr (NM_001353574.2); short protein forms H140Y, H298Y, H317Y, H326Y, H332Y, H351Y, H360Y.
Identifiers: ClinVar variation 3619817 (VCV003619817.2).